The following is an entry in ClinVar:

NM_004006.3(DMD):c.9085-3C>A

Gene: DMD (dystrophin; minus strand). Cytogenetic location: Xp21.2.
Variant type: single nucleotide variant.
Coding change: c.9085-3C>A on transcript NM_004006.3 (MANE Select); 3 bases into the intron before coding-DNA position 9085, C replaced by A.
Molecular consequence: intron variant.
Genome position (GRCh38, 1-based): chrX:31,348,637, G>T on the plus strand (C>A on the coding strand, the complement: DMD is on the minus strand). VCF-style: chrX-31348637-G-T. GRCh37 (hg19) VCF-style: chrX-31366754-G-T.
Other names: c.9061-3C>A (NM_000109.4); c.5062-3C>A (NM_004011.4); c.5053-3C>A (NM_004012.4); c.1705-3C>A (NM_004023.3, NM_004020.4, NM_004022.3 and 2 more transcripts); c.898-3C>A (NM_004014.3); c.9073-3C>A (NM_004009.3); c.8716-3C>A (NM_004010.3).
Identifiers: ClinVar variation 3656119 (VCV003656119.2).

ClinVar aggregate classification (germline): Uncertain significance (1 of 4 stars; one submission).

Conditions:
Duchenne muscular dystrophy (DMD). Also called: MUSCULAR DYSTROPHY, PSEUDOHYPERTROPHIC PROGRESSIVE, DUCHENNE TYPE; Duchenne Muscular Dystrophy (DMD). Identifiers: Orphanet 98896, MedGen C0013264, MONDO:0010679, OMIM 310200.

Submission:

Labcorp Genetics (formerly Invitae), Labcorp
Classification: Uncertain significance for Duchenne muscular dystrophy. Last evaluated: 2024-06-10. Review status: criteria provided, single submitter. Criteria: Invitae Variant Classification Sherloc (09022015). Collection method: clinical testing. Allele origin: germline.
Comment: This sequence change falls in intron 60 of the DMD gene. It does not directly change the encoded amino acid sequence of the DMD protein. It affects a nucleotide within the consensus splice site. This variant is not present in population databases (gnomAD no frequency). This variant has not been reported in the literature in individuals affected with DMD-related conditions. Variants that disrupt the consensus splice site are a relatively common cause of aberrant splicing (PMID: 17576681, 9536098). Algorithms developed to predict the effect of sequence changes on RNA splicing suggest that this variant is not likely to affect RNA splicing. In summary, the available evidence is currently insufficient to determine the role of this variant in disease. Therefore, it has been classified as a Variant of Uncertain Significance.

Literature cited by the submitters: PubMed 17576681; PubMed 9536098.